The following is an entry in ClinVar:

ClinVar aggregate classification (germline): Uncertain significance (1 of 4 stars; one submission).

Conditions:
Gastrointestinal stromal tumor. Also called: Gastrointestinal stroma tumor; Gastrointestinal stromal tumor, somatic. Identifiers: Orphanet 44890, MedGen C0238198, MeSH D046152, MONDO:0011719, OMIM 606764, HP:0100723.

Submission:

Labcorp Genetics (formerly Invitae), Labcorp
Classification: Uncertain significance for Gastrointestinal stromal tumor. Last evaluated: 2025-09-02. Review status: criteria provided, single submitter. Criteria: Invitae Variant Classification Sherloc (09022015). Collection method: clinical testing. Allele origin: germline.
Comment: This sequence change replaces leucine, which is neutral and non-polar, with valine, which is neutral and non-polar, at codon 17 of the KIT protein (p.Leu17Val). This variant is not present in population databases (gnomAD no frequency). This variant has not been reported in the literature in individuals affected with KIT-related conditions. ClinVar contains an entry for this variant (Variation ID: 1442292). An algorithm developed to predict the effect of missense changes on protein structure and function (PolyPhen-2) suggests that this variant is likely to be tolerated. In summary, the available evidence is currently insufficient to determine the role of this variant in disease. Therefore, it has been classified as a Variant of Uncertain Significance.

NM_000222.3(KIT):c.49C>G (p.Leu17Val)

Gene: KIT (KIT proto-oncogene, receptor tyrosine kinase; plus strand). Cytogenetic location: 4q12.
Variant type: single nucleotide variant.
Coding change: c.49C>G on transcript NM_000222.3 (MANE Select); coding-DNA position 49, C replaced by G.
Protein change: p.Leu17Val; replaces leucine 17 with valine.
Molecular consequence: missense variant.
Genome position (GRCh38, 1-based): chr4:54,658,063, C>G. VCF-style: chr4-54658063-C-G. GRCh37 (hg19) VCF-style: chr4-55524230-C-G.
Other names: c.49C>G, p.Leu17Val (NM_001093772.2, NM_001385284.1, NM_001385285.1 and 4 more transcripts); short protein forms L17V.
Identifiers: ClinVar variation 1442292 (VCV001442292.8), dbSNP rs2109521210, ClinGen allele CA356897987.
Genomic context (GRCh38, chr4:54,658,063, plus strand): 5'-GCAGCTACCGCGATGAGAGGCGCTCGCGGCGCCTGGGATTTTCTCTGCGTTCTGCTCCTA[C>G]TGCTTCGCGTCCAGACAGGTGGGACACCGCGGCTGGCACCCCGACCGTGCGACTACTCGG-3'
Protein context (NP_000213.1, residues 7-27): AWDFLCVLLL[Leu17Val]LRVQTGSSQP